The following is an entry in ClinVar:

NM_005228.5(EGFR):c.1564G>A (p.Asp522Asn)

Gene: EGFR (epidermal growth factor receptor; plus strand). Cytogenetic location: 7p11.2.
Variant type: single nucleotide variant.
Coding change: c.1564G>A on transcript NM_005228.5 (MANE Select); coding-DNA position 1564, G replaced by A.
Protein change: p.Asp522Asn; replaces aspartic acid 522 with asparagine.
Molecular consequence: missense variant.
Genome position (GRCh38, 1-based): chr7:55,161,564, G>A. VCF-style: chr7-55161564-G-A. GRCh37 (hg19) VCF-style: chr7-55229257-G-A.
Other names: c.1564G>A (NM_005228.3); c.1429G>A, p.Asp477Asn (NM_001346897.2, NM_001346899.2); c.1564G>A, p.Asp522Asn (NM_001346898.2, NM_201282.2, NM_201284.2); c.1405G>A, p.Asp469Asn (NM_001346900.2); c.763G>A, p.Asp255Asn (NM_001346941.2); short protein forms D477N, D522N, D255N, D469N.
Identifiers: ClinVar variation 1470415 (VCV001470415.9), dbSNP rs2128942888, ClinGen allele CA367579900.
Genomic context (GRCh38, chr7:55,161,564, plus strand): 5'-ACAGGCCAGGTCTGCCATGCCTTGTGCTCCCCCGAGGGCTGCTGGGGCCCGGAGCCCAGG[G>A]ACTGCGTCTCTTGCCGGAATGTCAGCCGAGGCAGGGAATGCGTGGACAAGTGCAACCTTC-3'
Protein context (NP_005219.2, residues 512-532): PEGCWGPEPR[Asp522Asn]CVSCRNVSRG

ClinVar aggregate classification (germline): Uncertain significance. Review status: criteria provided, multiple submitters, no conflicts (2 of 4 stars). 2 submissions from 2 submitters: Uncertain significance (2). Last evaluated 2025-11-28.

Conditions:
Hereditary cancer-predisposing syndrome. Also called: Tumor predisposition; Hereditary Cancer Syndrome; Hereditary neoplastic syndrome; Neoplastic Syndromes, Hereditary. Identifiers: Orphanet 140162, MedGen C0027672, MeSH D009386, MONDO:0015356.
EGFR-related lung cancer (EGFR). Identifiers: MedGen CN130014.

Allele frequency attached by ClinVar (database versions not stated): gnomAD exomes below 0.00001.
gnomAD v4.1: 2 of 1,614,282 alleles (0.00012%); highest among the groups gnomAD compares: East Asian, 0.0045%; no homozygotes.

Submissions (2):

Ambry Genetics
Classification: Uncertain significance for Hereditary cancer-predisposing syndrome. Last evaluated: 2025-11-28. Review status: criteria provided, single submitter. Criteria: Ambry Variant Classification Scheme 2023. Collection method: clinical testing. Allele origin: germline.
Comment: The p.D522N variant (also known as c.1564G>A), located in coding exon 13 of the EGFR gene, results from a G to A substitution at nucleotide position 1564. The aspartic acid at codon 522 is replaced by asparagine, an amino acid with highly similar properties. This amino acid position is conserved. In addition, this alteration is predicted to be tolerated by in silico analysis. Based on the available evidence, the clinical significance of this variant remains unclear.

Labcorp Genetics (formerly Invitae), Labcorp
Classification: Uncertain significance for EGFR-related lung cancer. Last evaluated: 2020-12-25. Review status: criteria provided, single submitter. Criteria: Invitae Variant Classification Sherloc (09022015). Collection method: clinical testing. Allele origin: germline.
Comment: This sequence change replaces aspartic acid with asparagine at codon 522 of the EGFR protein (p.Asp522Asn). The aspartic acid residue is weakly conserved and there is a small physicochemical difference between aspartic acid and asparagine. In summary, the available evidence is currently insufficient to determine the role of this variant in disease. Therefore, it has been classified as a Variant of Uncertain Significance. Algorithms developed to predict the effect of missense changes on protein structure and function (SIFT, PolyPhen-2, Align-GVGD) all suggest that this variant is likely to be tolerated, but these predictions have not been confirmed by published functional studies and their clinical significance is uncertain. This variant has not been reported in the literature in individuals with EGFR-related conditions. This variant is not present in population databases (ExAC no frequency).